The following is an entry in ClinVar:

ClinVar aggregate classification (germline): Uncertain significance. Review status: criteria provided, multiple submitters, no conflicts (2 of 4 stars). 2 submissions from 2 submitters: Uncertain significance (2). Last evaluated 2025-02-14.

Allele frequency attached by ClinVar (database versions not stated): gnomAD 0.00001.

Submissions (2):

Ambry Genetics
Classification: Uncertain significance. Last evaluated: 2025-02-14. Review status: criteria provided, single submitter. Criteria: Ambry Variant Classification Scheme 2023. Collection method: clinical testing. Allele origin: germline.
Comment: The p.A454T variant (also known as c.1360G>A), located in coding exon 12 of the GEN1 gene, results from a G to A substitution at nucleotide position 1360. The alanine at codon 454 is replaced by threonine, an amino acid with similar properties. This amino acid position is conserved. In addition, this alteration is predicted to be tolerated by in silico analysis. Based on the available evidence, the clinical significance of this variant remains unclear.

Labcorp Genetics (formerly Invitae), Labcorp
Classification: Uncertain significance. Last evaluated: 2021-07-08. Review status: criteria provided, single submitter. Criteria: Invitae Variant Classification Sherloc (09022015). Collection method: clinical testing. Allele origin: germline.
Comment: In summary, the available evidence is currently insufficient to determine the role of this variant in disease. Therefore, it has been classified as a Variant of Uncertain Significance. Algorithms developed to predict the effect of missense changes on protein structure and function are either unavailable or do not agree on the potential impact of this missense change (SIFT: "Tolerated"; PolyPhen-2: "Possibly Damaging"; Align-GVGD: "Class C0"). This variant has not been reported in the literature in individuals affected with GEN1-related conditions. This variant is not present in population databases (ExAC no frequency). This sequence change replaces alanine with threonine at codon 454 of the GEN1 protein (p.Ala454Thr). The alanine residue is moderately conserved and there is a small physicochemical difference between alanine and threonine.

NM_001130009.3(GEN1):c.1360G>A (p.Ala454Thr)

Gene: GEN1 (GEN1 structure-specific endonuclease; plus strand). Cytogenetic location: 2p24.2.
Variant type: single nucleotide variant.
Coding change: c.1360G>A on transcript NM_001130009.3 (MANE Select); coding-DNA position 1360, G replaced by A.
Protein change: p.Ala454Thr; replaces alanine 454 with threonine.
Molecular consequence: missense variant.
Genome position (GRCh38, 1-based): chr2:17,780,073, G>A. VCF-style: chr2-17780073-G-A. GRCh37 (hg19) VCF-style: chr2-17961340-G-A.
Other names: c.1360G>A, p.Ala454Thr (NM_182625.5); c.1360G>A (NM_001130009.1); short protein forms A454T.
Identifiers: ClinVar variation 1465009 (VCV001465009.9), dbSNP rs915439174, ClinGen allele CA43358670.